The following is an entry in ClinVar:

NM_001127178.3(PIGG):c.2821C>G (p.Leu941Val)

Gene: PIGG (phosphatidylinositol glycan anchor biosynthesis class G (EMM blood group); plus strand). Cytogenetic location: 4p16.3.
Variant type: single nucleotide variant.
Coding change: c.2821C>G on transcript NM_001127178.3 (MANE Select); coding-DNA position 2821, C replaced by G.
Protein change: p.Leu941Val; replaces leucine 941 with valine.
Molecular consequence: missense variant. On other transcripts: non-coding transcript variant (10).
Genome position (GRCh38, 1-based): chr4:539,238, C>G. VCF-style: chr4-539238-C-G. GRCh37 (hg19) VCF-style: chr4-533027-C-G.
Other names: c.2554C>G, p.Leu852Val (NM_001289051.2, NM_001345986.2); c.2422C>G, p.Leu808Val (NM_001289052.2); c.2821C>G (NM_001127178.1); c.2530C>G, p.Leu844Val (NM_001345987.2); c.1792C>G, p.Leu598Val (NM_001345988.2); c.1288C>G, p.Leu430Val (NM_001345990.2, NM_001345991.2); c.1723C>G, p.Leu575Val (NM_001345994.2); c.2797C>G, p.Leu933Val (NM_017733.5); short protein forms L598V, L430V, L575V, L808V, L844V, L852V, L933V, L941V.
Identifiers: ClinVar variation 2042356 (VCV002042356.7), dbSNP rs756763151, ClinGen allele CA2793765.
Genomic context (GRCh38, chr4:539,238, plus strand): 5'-TTCTGCTACGCACTGATTTGTTCTATTCCAGTTTTCACGTACATCGTTTTGGTGACATCT[C>G]TGCGTTATCATTTATTTATATGGAGTGTATTTTCTCCAAAACTTCTCTACGAGGGAATGC-3'
Protein context (NP_001120650.1, residues 931-951): VFTYIVLVTS[Leu941Val]RYHLFIWSVF

ClinVar aggregate classification (germline): Uncertain significance. Review status: criteria provided, multiple submitters, no conflicts (2 of 4 stars). 2 submissions from 2 submitters: Uncertain significance (2). Last evaluated 2026-05-11.

Conditions:
Inborn genetic diseases. Identifiers: MedGen C0950123, MeSH D030342.
Intellectual disability, autosomal recessive 53 (NEDHSCA). Also called: GLYCOSYLPHOSPHATIDYLINOSITOL BIOSYNTHESIS DEFECT 13; Mental retardation, autosomal recessive 53; NEURODEVELOPMENTAL DISORDER WITH OR WITHOUT HYPOTONIA, SEIZURES, AND CEREBELLAR ATROPHY. Identifiers: Orphanet 488635, MedGen C4310794, MONDO:0014832, OMIM 616917.

Allele frequency attached by ClinVar (database versions not stated): ExAC 0.00002; gnomAD exomes 0.00001.
gnomAD v4.1: 7 of 1,612,354 alleles (0.00043%); highest among the groups gnomAD compares: South Asian, 0.0022%; no homozygotes.

Submissions (2):

Ambry Genetics
Classification: Uncertain significance for Inborn genetic diseases. Last evaluated: 2026-05-11. Review status: criteria provided, single submitter. Criteria: Ambry Variant Classification Scheme 2023. Collection method: clinical testing. Allele origin: germline.
Comment: The c.2821C>G (p.L941V) alteration is located in exon 13 (coding exon 13) of the PIGG gene. This alteration results from a C to G substitution at nucleotide position 2821, causing the leucine (L) at amino acid position 941 to be replaced by a valine (V). Based on data from gnomAD, the G allele has an overall frequency of 0.001% (3/251430) total alleles studied. The highest observed frequency was 0.003% (1/30612) of South Asian alleles. Based on insufficient or conflicting evidence, the clinical significance of this alteration remains unclear.

Labcorp Genetics (formerly Invitae), Labcorp
Classification: Uncertain significance for Intellectual disability, autosomal recessive 53. Last evaluated: 2022-02-27. Review status: criteria provided, single submitter. Criteria: Invitae Variant Classification Sherloc (09022015). Collection method: clinical testing. Allele origin: germline.
Comment: Algorithms developed to predict the effect of missense changes on protein structure and function are either unavailable or do not agree on the potential impact of this missense change (SIFT: "Tolerated"; PolyPhen-2: "Probably Damaging"; Align-GVGD: "Class C0"). In summary, the available evidence is currently insufficient to determine the role of this variant in disease. Therefore, it has been classified as a Variant of Uncertain Significance. This variant has not been reported in the literature in individuals affected with PIGG-related conditions. This variant is present in population databases (rs756763151, gnomAD 0.003%). This sequence change replaces leucine, which is neutral and non-polar, with valine, which is neutral and non-polar, at codon 941 of the PIGG protein (p.Leu941Val).